The following is an entry in ClinVar:

NM_001370658.1(BTD):c.710T>A (p.Val237Asp)

Gene: BTD (biotinidase; plus strand). Cytogenetic location: 3p25.1.
Variant type: single nucleotide variant.
Coding change: c.710T>A on transcript NM_001370658.1 (MANE Select); coding-DNA position 710, T replaced by A.
Protein change: p.Val237Asp; replaces valine 237 with aspartic acid.
Molecular consequence: missense variant. On other transcripts: intron variant (1).
Genome position (GRCh38, 1-based): chr3:15,644,626, T>A. VCF-style: chr3-15644626-T-A. GRCh37 (hg19) VCF-style: chr3-15686133-T-A.
Other names: c.770T>A, p.Val257Asp (NM_000060.4); c.710T>A, p.Val237Asp (NM_001281723.4, NM_001281724.3, NM_001281725.3 and 18 more transcripts); c.399+2569T>A (NM_001370753.1); short protein forms V237D.
Identifiers: ClinVar variation 2734453 (VCV002734453.7), dbSNP rs1190721481, ClinGen allele CA351607167.

ClinVar aggregate classification (germline): Conflicting classifications of pathogenicity. Review status: criteria provided, conflicting classifications (1 of 4 stars). 3 submissions from 3 submitters: Likely pathogenic (1); Uncertain significance (2). Last evaluated 2026-06-22.

Conditions:
Biotinidase deficiency. Also called: BTD deficiency; Late-onset biotin-responsive multiple carboxylase deficiency; Biotin deficiency. Identifiers: Orphanet 79241, MedGen C0220754, MONDO:0009665, OMIM 253260.

Allele frequency attached by ClinVar (database versions not stated): gnomAD exomes below 0.00001.
gnomAD v4.1: 4 of 1,614,058 alleles (0.00025%); highest among the groups gnomAD compares: Non-Finnish European, 0.00034%; no homozygotes.

Submissions (3):

Kasturba Medical College, Manipal, Kasturba Medical College, Manipal, Manipal Academy of Higher Education, Manipal, India
Classification: Uncertain significance for Biotinidase deficiency. Last evaluated: 2026-06-22. Review status: criteria provided, single submitter. Criteria: ACMG Guidelines, 2015. Collection method: research. Allele origin: unknown. Inheritance: Autosomal recessive inheritance. Affected: yes. Observed: 1 variant allele, 1 homozygote.
Comment: This variant has previously been reported in an individual with reduced serum biotinidase enzyme activity (1.5 U/L) along with another variant, c.1330G>C p.(Asp444His) (phase undetermined) (Procter et al., 2016). The variant has been reported in four individuals in heterozygous state and is absent in homozygous state in the population database gnomAD (v4.1.1). The variant is absent in homozygous and/or heterozygous state in our in-house database of 4276 exomes. This variant has been reported by two submitters in ClinVar database (ClinVar Accession ID: VCV002734453.6; likely pathogenic/ variant of uncertain significance). In silico prediction tools (REVEL, CADD_Phred) predict the variant as damaging to BTD protein function.

Women's Health and Genetics/Laboratory Corporation of America, LabCorp
Classification: Uncertain significance. Last evaluated: 2025-10-14. Review status: criteria provided, single submitter. Criteria: LabCorp Variant Classification Summary - May 2015. Collection method: clinical testing. Allele origin: germline.
Comment: Variant summary: BTD c.710T>A (p.Val237Asp) results in a non-conservative amino acid change located in the Carbon-nitrogen hydrolase domain (IPR003010) of the encoded protein sequence. Algorithms developed to predict the effect of missense changes on protein structure and function all suggest that this variant is likely to be disruptive. The variant allele was found at a frequency of 4e-06 in 251442 control chromosomes. The available data on variant occurrences in the general population are insufficient to allow any conclusion about variant significance. c.710T>A has been observed in at least one individual affected with Biotinidase Deficiency (example, Procter_2016). These data do not allow any conclusion about variant significance. To our knowledge, no experimental evidence demonstrating an impact on protein function has been reported. The following publication has been ascertained in the context of this evaluation (PMID: 26810761). ClinVar contains an entry for this variant (Variation ID: 2734453). Based on the evidence outlined above, the variant was classified as uncertain significance.

Labcorp Genetics (formerly Invitae), Labcorp
Classification: Likely pathogenic for Biotinidase deficiency. Last evaluated: 2024-01-04. Review status: criteria provided, single submitter. Criteria: Invitae Variant Classification Sherloc (09022015). Collection method: clinical testing. Allele origin: germline.
Comment: This sequence change replaces valine, which is neutral and non-polar, with aspartic acid, which is acidic and polar, at codon 257 of the BTD protein (p.Val257Asp). This variant is present in population databases (no rsID available, gnomAD 0.0009%). This missense change has been observed in individual(s) with biotinidase deficiency (PMID: 26810761). Advanced modeling of protein sequence and biophysical properties (such as structural, functional, and spatial information, amino acid conservation, physicochemical variation, residue mobility, and thermodynamic stability) performed at Invitae indicates that this missense variant is expected to disrupt BTD protein function with a positive predictive value of 95%. In summary, the currently available evidence indicates that the variant is pathogenic, but additional data are needed to prove that conclusively. Therefore, this variant has been classified as Likely Pathogenic.

Literature cited by the submitters: PubMed 26810761 (cited by 3 submitters).